The following is an entry in ClinVar:

NM_016628.5(WAC):c.274+3G>A

Gene: WAC (WW domain containing adaptor with coiled-coil; plus strand). Cytogenetic location: 10p12.1.
Variant type: single nucleotide variant.
Coding change: c.274+3G>A on transcript NM_016628.5 (MANE Select); 3 bases into the intron after coding-DNA position 274, G replaced by A.
Molecular consequence: intron variant.
Genome position (GRCh38, 1-based): chr10:28,535,760, G>A. VCF-style: chr10-28535760-G-A. GRCh37 (hg19) VCF-style: chr10-28824689-G-A.
Other names: c.139+3G>A (NM_100264.3); c.274+3G>A (NM_100486.4).
Identifiers: ClinVar variation 668542 (VCV000668542.3), dbSNP rs1589115549, ClinGen allele CA915945870.

ClinVar aggregate classification (germline): Conflicting classifications of pathogenicity. Review status: criteria provided, conflicting classifications (1 of 4 stars). 2 submissions from 2 submitters: Uncertain significance (1); Likely benign (1). Last evaluated 2025-07-10.

Conditions:
Inborn genetic diseases. Identifiers: MedGen C0950123, MeSH D030342.

Allele frequency attached by ClinVar (database versions not stated): TOPMed below 0.00001.

Submissions (2):

Ambry Genetics
Classification: Uncertain significance for Inborn genetic diseases. Last evaluated: 2025-07-10. Review status: criteria provided, single submitter. Criteria: Ambry Variant Classification Scheme 2023. Collection method: clinical testing. Allele origin: germline.
Comment: The c.274+3G>A intronic alteration consists of a G to A substitution nucleotides after N/A in the WAC gene. In silico splice site analysis predicts that this alteration will not have any significant effect on splicing. Based on insufficient or conflicting evidence, the clinical significance of this alteration remains unclear.

GeneDx
Classification: Likely benign. Last evaluated: 2020-10-28. Review status: criteria provided, single submitter. Criteria: GeneDx Variant Classification Process June 2021. Collection method: clinical testing. Allele origin: germline. Affected: yes.